The following is an entry in ClinVar:

ClinVar aggregate classification (germline): Uncertain significance (1 of 4 stars; one submission).

Submission:

Labcorp Genetics (formerly Invitae), Labcorp
Classification: Uncertain significance. Last evaluated: 2022-02-01. Review status: criteria provided, single submitter. Criteria: Invitae Variant Classification Sherloc (09022015). Collection method: clinical testing. Allele origin: germline.
Comment: This sequence change replaces phenylalanine, which is neutral and non-polar, with leucine, which is neutral and non-polar, at codon 377 of the EYS protein (p.Phe377Leu). This variant is not present in population databases (gnomAD no frequency). This variant has not been reported in the literature in individuals affected with EYS-related conditions. Algorithms developed to predict the effect of missense changes on protein structure and function output the following: SIFT: "Tolerated"; PolyPhen-2: "Possibly Damaging"; Align-GVGD: "Class C0". The leucine amino acid residue is found in multiple mammalian species, which suggests that this missense change does not adversely affect protein function. In summary, the available evidence is currently insufficient to determine the role of this variant in disease. Therefore, it has been classified as a Variant of Uncertain Significance.

NM_001142800.2(EYS):c.1129T>C (p.Phe377Leu)

Gene: EYS (eyes shut homolog; minus strand). Cytogenetic location: 6q12.
Variant type: single nucleotide variant.
Coding change: c.1129T>C on transcript NM_001142800.2 (MANE Select); coding-DNA position 1129, T replaced by C.
Protein change: p.Phe377Leu; replaces phenylalanine 377 with leucine.
Molecular consequence: missense variant.
Genome position (GRCh38, 1-based): chr6:65,402,533, A>G on the plus strand (T>C on the coding strand, the complement: EYS is on the minus strand). VCF-style: chr6-65402533-A-G. GRCh37 (hg19) VCF-style: chr6-66112426-A-G.
Other names: c.1129T>C, p.Phe377Leu (NM_001142801.2, NM_001292009.2, NM_198283.2); short protein forms F377L.
Identifiers: ClinVar variation 1947850 (VCV001947850.2), dbSNP rs2533367093, ClinGen allele CA364662372.
Genomic context (GRCh38, chr6:65,402,533, plus strand): 5'-TATACCTGCAAGGATAATCTTTCTCACATTTCTTACATGTAGCATTATTCCTCAAAGGAA[A>G]TGACTCACATGATGTTTGAATGCTCTTACAAAGCAAATCTGTAAATATTGGTGAACAGAT-3'
Protein context (NP_001136272.1, residues 367-387): CKSIQTSCES[Phe377Leu]PLRNNATCKK